The following is an entry in ClinVar:

ClinVar aggregate classification (germline): Uncertain significance (1 of 4 stars; one submission).

Allele frequency attached by ClinVar (database versions not stated): gnomAD 0.00001.
gnomAD v4.1: 5 of 1,612,846 alleles (0.00031%); highest among the groups gnomAD compares: Admixed American, 0.0017%; no homozygotes.

Submission:

Labcorp Genetics (formerly Invitae), Labcorp
Classification: Uncertain significance. Last evaluated: 2022-01-27. Review status: criteria provided, single submitter. Criteria: Invitae Variant Classification Sherloc (09022015). Collection method: clinical testing. Allele origin: germline.
Comment: This sequence change replaces aspartic acid, which is acidic and polar, with tyrosine, which is neutral and polar, at codon 900 of the VPS13A protein (p.Asp900Tyr). This variant is present in population databases (rs373130569, gnomAD 0.0009%). This variant has not been reported in the literature in individuals affected with VPS13A-related conditions. Algorithms developed to predict the effect of missense changes on protein structure and function are either unavailable or do not agree on the potential impact of this missense change (SIFT: "Deleterious"; PolyPhen-2: "Possibly Damaging"; Align-GVGD: "Class C0"). In summary, the available evidence is currently insufficient to determine the role of this variant in disease. Therefore, it has been classified as a Variant of Uncertain Significance.

NM_033305.3(VPS13A):c.2698G>T (p.Asp900Tyr)

Gene: VPS13A (vacuolar protein sorting 13 homolog A; plus strand). Cytogenetic location: 9q21.2.
Variant type: single nucleotide variant.
Coding change: c.2698G>T on transcript NM_033305.3 (MANE Select); coding-DNA position 2698, G replaced by T.
Protein change: p.Asp900Tyr; replaces aspartic acid 900 with tyrosine.
Molecular consequence: missense variant.
Genome position (GRCh38, 1-based): chr9:77,276,095, G>T. VCF-style: chr9-77276095-G-T. GRCh37 (hg19) VCF-style: chr9-79891011-G-T.
Other names: c.2698G>T, p.Asp900Tyr (NM_001018037.2, NM_001018038.3, NM_015186.4); short protein forms D900Y.
Identifiers: ClinVar variation 2052807 (VCV002052807.1), dbSNP rs373130569, ClinGen allele CA5092025.
Genomic context (GRCh38, chr9:77,276,095, plus strand): 5'-GTGGTAATTTCTTTTTTCTTTCTTCTCCAGGTTTTGATCGAGTTTTATCACCTTGTTGGA[G>T]ATTGTGAACTATCTGTGGTAGAAATTCTTGTTTTAGGATTGGGTGCAGAAATTGAGATTA-3'
Protein context (NP_150648.2, residues 890-910): VLIEFYHLVG[Asp900Tyr]CELSVVEILV